The following is an entry in ClinVar:

ClinVar aggregate classification (germline): Likely pathogenic (1 of 4 stars; one submission).

Conditions:
Autosomal recessive nonsyndromic hearing loss 3. Also called: NEUROSENSORY NONSYNDROMIC RECESSIVE DEAFNESS 3. Identifiers: Orphanet 90636, MedGen C1838263, MONDO:0010860, OMIM 600316.

Submission:

Institute of Rare Diseases, West China Hospital, Sichuan University
Classification: Likely pathogenic for Autosomal recessive nonsyndromic hearing loss 3. Last evaluated: 2025-01-09. Review status: criteria provided, single submitter. Criteria: ClinGen HL ACMG Specifications v1. Collection method: research. Allele origin: germline. Affected: yes.
Comment: PVS1;PM2_Supporting

NM_016239.4(MYO15A):c.5797C>T (p.Gln1933Ter)

Gene: MYO15A (myosin XVA; plus strand). Cytogenetic location: 17p11.2.
Variant type: single nucleotide variant.
Coding change: c.5797C>T on transcript NM_016239.4 (MANE Select); coding-DNA position 5797, C replaced by T.
Protein change: p.Gln1933Ter; replaces glutamine 1933 with a stop codon.
Molecular consequence: nonsense.
Genome position (GRCh38, 1-based): chr17:18,142,226, C>T. VCF-style: chr17-18142226-C-T. GRCh37 (hg19) VCF-style: chr17-18045540-C-T.
Other names: short protein forms Q1933*.
Identifiers: ClinVar variation 3601364 (VCV003601364.1).